The following is an entry in ClinVar:

NM_133433.4(NIPBL):c.1981T>C (p.Cys661Arg)

Gene: NIPBL (NIPBL cohesin loading factor; plus strand). Cytogenetic location: 5p13.2.
Variant type: single nucleotide variant.
Coding change: c.1981T>C on transcript NM_133433.4 (MANE Select); coding-DNA position 1981, T replaced by C.
Protein change: p.Cys661Arg; replaces cysteine 661 with arginine.
Molecular consequence: missense variant.
Genome position (GRCh38, 1-based): chr5:36,985,161, T>C. VCF-style: chr5-36985161-T-C. GRCh37 (hg19) VCF-style: chr5-36985263-T-C.
Other names: c.1981T>C, p.Cys661Arg (NM_015384.5); short protein forms C661R.
Identifiers: ClinVar variation 1449886 (VCV001449886.6), dbSNP rs746789978, ClinGen allele CA3236108.

ClinVar aggregate classification (germline): Conflicting classifications of pathogenicity. Review status: criteria provided, conflicting classifications (1 of 4 stars). 2 submissions from 2 submitters: Uncertain significance (1); Likely benign (1). Last evaluated 2026-10-01.

Conditions:
Cornelia de Lange syndrome 1 (CDLS1). Also called: NIPBL-Related Cornelia de Lange Syndrome; Brachmann de Lange syndrome; TYPUS DEGENERATIVUS AMSTELODAMENSIS. Identifiers: Orphanet 199, MedGen C4551851, MONDO:0007387, OMIM 122470.

Allele frequency attached by ClinVar (database versions not stated): gnomAD exomes below 0.00001 and 0.00002; ExAC 0.00003; gnomAD 0.00007; TOPMed 0.00013.
gnomAD v4.1: 15 of 1,613,696 alleles (0.00093%); highest among the groups gnomAD compares: African/African-American, 0.017%; no homozygotes.

Submissions (2):

CeGaT Center for Human Genetics Tuebingen
Classification: Likely benign. Last evaluated: 2026-10-01. Review status: criteria provided, single submitter. Criteria: CeGaT Center For Human Genetics Tuebingen Variant Classification Criteria Version 2. Collection method: clinical testing. Allele origin: germline. Affected: yes. Observed: 1 variant allele.
Comment: NIPBL: BP4, BS2

Labcorp Genetics (formerly Invitae), Labcorp
Classification: Uncertain significance for Cornelia de Lange syndrome 1. Last evaluated: 2024-07-12. Review status: criteria provided, single submitter. Criteria: Invitae Variant Classification Sherloc (09022015). Collection method: clinical testing. Allele origin: germline.
Comment: This sequence change replaces cysteine, which is neutral and slightly polar, with arginine, which is basic and polar, at codon 661 of the NIPBL protein (p.Cys661Arg). This variant is present in population databases (rs746789978, gnomAD 0.03%). This variant has not been reported in the literature in individuals affected with NIPBL-related conditions. ClinVar contains an entry for this variant (Variation ID: 1449886). Advanced modeling of protein sequence and biophysical properties (such as structural, functional, and spatial information, amino acid conservation, physicochemical variation, residue mobility, and thermodynamic stability) performed at Invitae indicates that this missense variant is not expected to disrupt NIPBL protein function with a negative predictive value of 95%. In summary, the available evidence is currently insufficient to determine the role of this variant in disease. Therefore, it has been classified as a Variant of Uncertain Significance.